The following is an entry in ClinVar:

ClinVar aggregate classification (germline): Uncertain significance (1 of 4 stars; one submission).

Conditions:
Multiple acyl-CoA dehydrogenase deficiency (MADD). Also called: Glutaric acidemia type II; GA 2; Glutaric aciduria, type 2; ETHYLMALONIC-ADIPICACIDURIA; GA II; Glutaric Acidemia type 2. Identifiers: Orphanet 26791, MedGen C0268596, MONDO:0009282, OMIM 231680.

Allele frequency attached by ClinVar (database versions not stated): TOPMed below 0.00001.

Submission:

Labcorp Genetics (formerly Invitae), Labcorp
Classification: Uncertain significance for Multiple acyl-CoA dehydrogenase deficiency. Last evaluated: 2022-05-27. Review status: criteria provided, single submitter. Criteria: Invitae Variant Classification Sherloc (09022015). Collection method: clinical testing. Allele origin: germline.
Comment: This variant has not been reported in the literature in individuals affected with ETFB-related conditions. This variant is not present in population databases (gnomAD no frequency). This sequence change replaces valine, which is neutral and non-polar, with leucine, which is neutral and non-polar, at codon 18 of the ETFB protein (p.Val18Leu). Algorithms developed to predict the effect of missense changes on protein structure and function (SIFT, PolyPhen-2, Align-GVGD) all suggest that this variant is likely to be tolerated. In summary, the available evidence is currently insufficient to determine the role of this variant in disease. Therefore, it has been classified as a Variant of Uncertain Significance.

NM_001985.3(ETFB):c.52G>T (p.Val18Leu)

Gene: ETFB (electron transfer flavoprotein subunit beta; minus strand). Cytogenetic location: 19q13.41.
Variant type: single nucleotide variant.
Coding change: c.52G>T on transcript NM_001985.3 (MANE Select); coding-DNA position 52, G replaced by T.
Protein change: p.Val18Leu; replaces valine 18 with leucine.
Molecular consequence: missense variant.
Genome position (GRCh38, 1-based): chr19:51,366,275, C>A on the plus strand (G>T on the coding strand, the complement: ETFB is on the minus strand). VCF-style: chr19-51366275-C-A. GRCh37 (hg19) VCF-style: chr19-51869529-C-A.
Other names: short protein forms V18L.
Identifiers: ClinVar variation 1999707 (VCV001999707.4), dbSNP rs1986364163, ClinGen allele CA407087135.